The following is an entry in ClinVar:

ClinVar aggregate classification (germline): Uncertain significance (1 of 4 stars; one submission).

Allele frequency attached by ClinVar (database versions not stated): gnomAD exomes below 0.00001; ExAC 0.00001.
gnomAD v4.1: 7 of 1,606,828 alleles (0.00044%); highest among the groups gnomAD compares: Non-Finnish European, 0.00051%; no homozygotes.

Submission:

Labcorp Genetics (formerly Invitae), Labcorp
Classification: Uncertain significance. Last evaluated: 2020-12-26. Review status: criteria provided, single submitter. Criteria: Invitae Variant Classification Sherloc (09022015). Collection method: clinical testing. Allele origin: germline.
Comment: This variant has not been reported in the literature in individuals with TUBGCP6-related conditions. This variant is present in population databases (rs749435327, ExAC 0.002%). This sequence change replaces histidine with aspartic acid at codon 537 of the TUBGCP6 protein (p.His537Asp). The histidine residue is weakly conserved and there is a moderate physicochemical difference between histidine and aspartic acid. Algorithms developed to predict the effect of missense changes on protein structure and function (SIFT, PolyPhen-2, Align-GVGD) all suggest that this variant is likely to be tolerated, but these predictions have not been confirmed by published functional studies and their clinical significance is uncertain. In summary, the available evidence is currently insufficient to determine the role of this variant in disease. Therefore, it has been classified as a Variant of Uncertain Significance.

NM_020461.4(TUBGCP6):c.1609C>G (p.His537Asp)

Gene: TUBGCP6 (tubulin gamma complex component 6; minus strand). Cytogenetic location: 22q13.33.
Variant type: single nucleotide variant.
Coding change: c.1609C>G on transcript NM_020461.4 (MANE Select); coding-DNA position 1609, C replaced by G.
Protein change: p.His537Asp; replaces histidine 537 with aspartic acid.
Molecular consequence: missense variant.
Genome position (GRCh38, 1-based): chr22:50,226,371, G>C on the plus strand (C>G on the coding strand, the complement: TUBGCP6 is on the minus strand). VCF-style: chr22-50226371-G-C. GRCh37 (hg19) VCF-style: chr22-50664800-G-C.
Other names: short protein forms H537D.
Identifiers: ClinVar variation 1482618 (VCV001482618.8), dbSNP rs749435327, ClinGen allele CA10308581.